The following is an entry in ClinVar:

ClinVar aggregate classification (germline): Uncertain significance (1 of 4 stars; one submission).

gnomAD v4.1: 23 of 1,612,924 alleles (0.0014%); highest among the groups gnomAD compares: South Asian, 0.0022%; no homozygotes.

Submission:

Athena Diagnostics
Classification: Uncertain significance. Last evaluated: 2024-12-31. Review status: criteria provided, single submitter. Criteria: Athena Diagnostics Criteria. Collection method: clinical testing. Allele origin: unknown.
Comment: Available data are insufficient to determine the clinical significance of the variant at this time. The frequency of this variant in the general population is uninformative in assessment of its pathogenicity. Polyphen and MutationTaster yielded discordant predictions regarding whether this amino acid change is damaging to the protein.

NM_018075.5(ANO10):c.419A>G (p.Glu140Gly)

Gene: ANO10 (anoctamin 10; minus strand). Cytogenetic location: 3p22.1.
Variant type: single nucleotide variant.
Coding change: c.419A>G on transcript NM_018075.5 (MANE Select); coding-DNA position 419, A replaced by G.
Protein change: p.Glu140Gly; replaces glutamic acid 140 with glycine.
Molecular consequence: missense variant. On other transcripts: intron variant (1).
Genome position (GRCh38, 1-based): chr3:43,598,585, T>C on the plus strand (A>G on the coding strand, the complement: ANO10 is on the minus strand). VCF-style: chr3-43598585-T-C. GRCh37 (hg19) VCF-style: chr3-43640077-T-C.
Other names: c.419A>G, p.Glu140Gly (NM_001204831.3, NM_001204834.3, NM_001346463.2 and 4 more transcripts); c.221A>G, p.Glu74Gly (NM_001204832.3, NM_001346466.2, NM_001346469.2); c.139+7129A>G (NM_001204833.3); short protein forms E140G, E74G.
Identifiers: ClinVar variation 4682240 (VCV004682240.1).